The following is an entry in ClinVar:

NM_001367823.1(ARHGEF18):c.3196G>T (p.Glu1066Ter)

Gene: ARHGEF18 (Rho/Rac guanine nucleotide exchange factor 18; plus strand). Cytogenetic location: 19p13.2.
Variant type: single nucleotide variant.
Coding change: c.3196G>T on transcript NM_001367823.1 (MANE Select); coding-DNA position 3196, G replaced by T.
Protein change: p.Glu1066Ter; replaces glutamic acid 1066 with a stop codon.
Molecular consequence: nonsense.
Genome position (GRCh38, 1-based): chr19:7,467,400, G>T. VCF-style: chr19-7467400-G-T. GRCh37 (hg19) VCF-style: chr19-7532286-G-T.
Other names: E878*; c.2470G>T, p.Glu824Ter (NM_001130955.2); c.2158G>T, p.Glu720Ter (NM_001367824.1, NM_015318.4); short protein forms E720*, E1066*, E824*.
Identifiers: ClinVar variation 417757 (VCV000417757.5), dbSNP rs767689418, ClinGen allele CA16616864.

ClinVar aggregate classification (germline): Pathogenic. Review status: criteria provided, single submitter (1 of 4 stars). 2 submissions from 2 submitters: Pathogenic (1). 1 of the submissions does not count toward it. Last evaluated 2022-08-08.

Conditions:
Retinitis pigmentosa 78 (RP78). Identifiers: MedGen C4479481, MONDO:0044314, OMIM 617433.

gnomAD v4.1: 1 of 1,532,770 alleles (0.000065%); highest among the groups gnomAD compares: Non-Finnish European, 0.000087%; no homozygotes.

Submissions (2):

Labcorp Genetics (formerly Invitae), Labcorp
Classification: Pathogenic. Last evaluated: 2022-08-08. Review status: criteria provided, single submitter. Criteria: Invitae Variant Classification Sherloc (09022015). Collection method: clinical testing. Allele origin: germline.
Comment: For these reasons, this variant has been classified as Pathogenic. ClinVar contains an entry for this variant (Variation ID: 417757). This premature translational stop signal has been observed in individual(s) with retinitis pigmentosa (PMID: 32581362). This variant is not present in population databases (gnomAD no frequency). This sequence change creates a premature translational stop signal (p.Glu878*) in the ARHGEF18 gene. It is expected to result in an absent or disrupted protein product. Loss-of-function variants in ARHGEF18 are known to be pathogenic (PMID: 28132693).

OMIM
Classification: Pathogenic for RETINITIS PIGMENTOSA 78. Last evaluated: 2017-04-07. Review status: no assertion criteria provided. Collection method: literature only. Allele origin: germline. Not counted in ClinVar's aggregate classification.

Literature cited by the submitters: PubMed 32581362 (cited by Labcorp Genetics (formerly Invitae), Labcorp); PubMed 28132693 (cited by Labcorp Genetics (formerly Invitae), Labcorp and OMIM).